The following is an entry in ClinVar:

NM_001364905.1(LRBA):c.1259C>T (p.Thr420Met)

Gene: LRBA (LPS responsive beige-like anchor protein; minus strand). Cytogenetic location: 4q31.3.
Variant type: single nucleotide variant.
Coding change: c.1259C>T on transcript NM_001364905.1 (MANE Select); coding-DNA position 1259, C replaced by T.
Protein change: p.Thr420Met; replaces threonine 420 with methionine.
Molecular consequence: missense variant.
Genome position (GRCh38, 1-based): chr4:150,908,760, G>A on the plus strand (C>T on the coding strand, the complement: LRBA is on the minus strand). VCF-style: chr4-150908760-G-A. GRCh37 (hg19) VCF-style: chr4-151829912-G-A.
Other names: p.Thr420Met; c.1259C>T, p.Thr420Met (NM_001199282.3, NM_001367550.1, NM_006726.5); short protein forms T420M.
Identifiers: ClinVar variation 645712 (VCV000645712.9), dbSNP rs1042175189, ClinGen allele CA107820698.
Genomic context (GRCh38, chr4:150,908,760, plus strand): 5'-GGGTTGTCCTTAGGAGATGATTCAAGACAAAGCTGGGCATCTGTAGCCCGTGGATTGTAC[G>A]TGAATGCAATGGCACTAGAGAGTTTCCCATCGTACAATAAAAGTTTGTGATGCTCAGCAA-3'
Protein context (NP_001351834.1, residues 410-430): DGKLSSAIAF[Thr420Met]YNPRATDAQL

ClinVar aggregate classification (germline): Uncertain significance. Review status: criteria provided, multiple submitters, no conflicts (2 of 4 stars). 3 submissions from 3 submitters: Uncertain significance (3). Last evaluated 2025-04-16.

Conditions:
Combined immunodeficiency due to LRBA deficiency. Also called: Common variable immunodeficiency 8, with autoimmunity. Identifiers: Orphanet 445018, MedGen C3553512, MONDO:0013863, OMIM 614700.
Inborn genetic diseases. Identifiers: MedGen C0950123, MeSH D030342.

Allele frequency attached by ClinVar (database versions not stated): gnomAD exomes below 0.00001; TOPMed below 0.00001; gnomAD 0.00003.
gnomAD v4.1: 10 of 1,613,400 alleles (0.00062%); highest among the groups gnomAD compares: African/African-American, 0.0027%; no homozygotes.

Submissions (3):

Ambry Genetics
Classification: Uncertain significance for Inborn genetic diseases. Last evaluated: 2025-04-16. Review status: criteria provided, single submitter. Criteria: Ambry Variant Classification Scheme 2023. Collection method: clinical testing. Allele origin: germline.

Mayo Clinic Laboratories, Mayo Clinic
Classification: Uncertain significance. Last evaluated: 2023-06-07. Review status: criteria provided, single submitter. Criteria: ACMG Guidelines, 2015. Collection method: clinical testing. Allele origin: germline. Observed: 2 variant alleles.
Comment: BP4, PM2_supporting

Labcorp Genetics (formerly Invitae), Labcorp
Classification: Uncertain significance for Combined immunodeficiency due to LRBA deficiency. Last evaluated: 2022-07-26. Review status: criteria provided, single submitter. Criteria: Invitae Variant Classification Sherloc (09022015). Collection method: clinical testing. Allele origin: germline.
Comment: This sequence change replaces threonine, which is neutral and polar, with methionine, which is neutral and non-polar, at codon 420 of the LRBA protein (p.Thr420Met). This variant is present in population databases (no rsID available, gnomAD 0.0009%). This variant has not been reported in the literature in individuals affected with LRBA-related conditions. ClinVar contains an entry for this variant (Variation ID: 645712). Algorithms developed to predict the effect of missense changes on protein structure and function (SIFT, PolyPhen-2, Align-GVGD) all suggest that this variant is likely to be tolerated. In summary, the available evidence is currently insufficient to determine the role of this variant in disease. Therefore, it has been classified as a Variant of Uncertain Significance.